The following is an entry in ClinVar:

NM_016123.4(IRAK4):c.274_281dup (p.Phe94fs)

Gene: IRAK4 (interleukin 1 receptor associated kinase 4; plus strand). Cytogenetic location: 12q12.
Variant type: Duplication.
Coding change: c.274_281dup on transcript NM_016123.4 (MANE Select); coding-DNA positions 274 to 281, 8 bases duplicated (GAATTTTT; older notation c.274_281dupGAATTTTT).
Protein change: p.Phe94fs; shifts the reading frame from phenylalanine 94.
Molecular consequence: frameshift variant. On other transcripts: 5 prime UTR variant (4), intron variant (6).
Genome position (GRCh38, 1-based): chr12:43,771,332-43,771,339, GAATTTTT duplicated; duplicating any 8 consecutive bases within chr12:43,771,331-43,771,339 gives the same sequence; the c. name uses the placement nearest the transcript's 3' end. VCF-style (leftmost placement, unchanged base first): chr12-43771330-A-ATGAATTTT. GRCh37 (hg19) VCF-style: chr12-44165133-A-ATGAATTTT.
Other names: c.274_281dup, p.Phe94fs (NM_001114182.3, NM_001351345.2); c.-99_-92dup (NM_001351339.2, NM_001351340.2, NM_001351341.2 and 1 more transcripts); c.-65-848_-65-841dup (NM_001351338.2, NM_001145256.2, NM_001145257.2 and 1 more transcripts); c.-216-848_-216-841dup (NM_001351343.2, NM_001351344.2); short protein forms F94fs.
Identifiers: ClinVar variation 2803498 (VCV002803498.3), dbSNP rs2540426135, ClinGen allele CA2739271968.

ClinVar aggregate classification (germline): Pathogenic (1 of 4 stars; one submission).

Conditions:
Immunodeficiency 67. Also called: Immunodeficiency due to interleukin-1 receptor-associated kinase-4 deficiency. Identifiers: Orphanet 70592, MedGen C1843256, MONDO:0011888, OMIM 607676.

Submission:

Labcorp Genetics (formerly Invitae), Labcorp
Classification: Pathogenic for Immunodeficiency 67. Last evaluated: 2023-02-16. Review status: criteria provided, single submitter. Criteria: Invitae Variant Classification Sherloc (09022015). Collection method: clinical testing. Allele origin: germline.
Comment: For these reasons, this variant has been classified as Pathogenic. This variant has not been reported in the literature in individuals affected with IRAK4-related conditions. This variant is not present in population databases (gnomAD no frequency). This sequence change creates a premature translational stop signal (p.Phe94Leufs*28) in the IRAK4 gene. It is expected to result in an absent or disrupted protein product. Loss-of-function variants in IRAK4 are known to be pathogenic (PMID: 17893200, 21057262).

Literature cited by the submitters: PubMed 17893200; PubMed 21057262.